The following is an entry in ClinVar:

NM_020987.5(ANK3):c.4259C>G (p.Thr1420Arg)

Gene: ANK3 (ankyrin 3; minus strand). Cytogenetic location: 10q21.2.
Variant type: single nucleotide variant.
Coding change: c.4259C>G on transcript NM_020987.5 (MANE Select); coding-DNA position 4259, C replaced by G.
Protein change: p.Thr1420Arg; replaces threonine 1420 with arginine.
Molecular consequence: missense variant.
Genome position (GRCh38, 1-based): chr10:60,082,679, G>C on the plus strand (C>G on the coding strand, the complement: ANK3 is on the minus strand). VCF-style: chr10-60082679-G-C. GRCh37 (hg19) VCF-style: chr10-61842437-G-C.
Other names: c.1661C>G, p.Thr554Arg (NM_001149.4); c.4241C>G, p.Thr1414Arg (NM_001204403.2); c.4262C>G, p.Thr1421Arg (NM_001204404.2); c.4259C>G, p.Thr1420Arg (NM_001320874.2); c.4259C>G (NM_020987.3); short protein forms T1421R, T1420R, T554R, T1414R.
Identifiers: ClinVar variation 1448184 (VCV001448184.10), dbSNP rs201213520, ClinGen allele CA5512271.

ClinVar aggregate classification (germline): Uncertain significance. Review status: criteria provided, multiple submitters, no conflicts (2 of 4 stars). 2 submissions from 2 submitters: Uncertain significance (2). Last evaluated 2025-08-18.

Conditions:
Inborn genetic diseases. Identifiers: MedGen C0950123, MeSH D030342.

Allele frequency attached by ClinVar (database versions not stated): gnomAD 0.00006 and 0.00007; ESP Exome Variant Server 0.00008; TOPMed 0.00008; 1000 Genomes Project 30x 0.00016; 1000 Genomes Project 0.00020.
gnomAD v4.1: 101 of 1,614,072 alleles (0.0063%); highest among the groups gnomAD compares: Admixed American, 0.015%; no homozygotes.

Submissions (2):

Labcorp Genetics (formerly Invitae), Labcorp
Classification: Uncertain significance. Last evaluated: 2025-08-18. Review status: criteria provided, single submitter. Criteria: Invitae Variant Classification Sherloc (09022015). Collection method: clinical testing. Allele origin: germline.
Comment: This sequence change replaces threonine, which is neutral and polar, with arginine, which is basic and polar, at codon 1420 of the ANK3 protein (p.Thr1420Arg). This variant is present in population databases (rs201213520, gnomAD 0.02%). This variant has not been reported in the literature in individuals affected with ANK3-related conditions. ClinVar contains an entry for this variant (Variation ID: 1448184). Invitae Evidence Modeling of protein sequence and biophysical properties (such as structural, functional, and spatial information, amino acid conservation, physicochemical variation, residue mobility, and thermodynamic stability) indicates that this missense variant is not expected to disrupt ANK3 protein function with a negative predictive value of 80%. In summary, the available evidence is currently insufficient to determine the role of this variant in disease. Therefore, it has been classified as a Variant of Uncertain Significance.

Ambry Genetics
Classification: Uncertain significance for Inborn genetic diseases. Last evaluated: 2025-02-26. Review status: criteria provided, single submitter. Criteria: Ambry Variant Classification Scheme 2023. Collection method: clinical testing. Allele origin: germline.